The following is an entry in ClinVar:

NM_022167.4(XYLT2):c.1826C>T (p.Ala609Val)

Gene: XYLT2 (xylosyltransferase 2; plus strand). Cytogenetic location: 17q21.33.
Variant type: single nucleotide variant.
Coding change: c.1826C>T on transcript NM_022167.4 (MANE Select); coding-DNA position 1826, C replaced by T.
Protein change: p.Ala609Val; replaces alanine 609 with valine.
Molecular consequence: missense variant.
Genome position (GRCh38, 1-based): chr17:50,357,137, C>T. VCF-style: chr17-50357137-C-T. GRCh37 (hg19) VCF-style: chr17-48434498-C-T.
Other names: short protein forms A609V.
Identifiers: ClinVar variation 1899496 (VCV001899496.3), dbSNP rs752138305, ClinGen allele CA8646575.

ClinVar aggregate classification (germline): Uncertain significance (1 of 4 stars; one submission).

Allele frequency attached by ClinVar (database versions not stated): ExAC 0.00001; gnomAD 0.00003; TOPMed 0.00004.
gnomAD v4.1: 27 of 1,613,556 alleles (0.0017%); highest among the groups gnomAD compares: East Asian, 0.0022%; no homozygotes.

Submission:

Labcorp Genetics (formerly Invitae), Labcorp
Classification: Uncertain significance. Last evaluated: 2024-11-11. Review status: criteria provided, single submitter. Criteria: Invitae Variant Classification Sherloc (09022015). Collection method: clinical testing. Allele origin: germline.
Comment: This sequence change replaces alanine, which is neutral and non-polar, with valine, which is neutral and non-polar, at codon 609 of the XYLT2 protein (p.Ala609Val). The frequency data for this variant in the population databases is considered unreliable, as metrics indicate poor data quality at this position in the gnomAD database. This variant has not been reported in the literature in individuals affected with XYLT2-related conditions. ClinVar contains an entry for this variant (Variation ID: 1899496). Invitae Evidence Modeling of protein sequence and biophysical properties (such as structural, functional, and spatial information, amino acid conservation, physicochemical variation, residue mobility, and thermodynamic stability) indicates that this missense variant is not expected to disrupt XYLT2 protein function with a negative predictive value of 80%. In summary, the available evidence is currently insufficient to determine the role of this variant in disease. Therefore, it has been classified as a Variant of Uncertain Significance.